The following is an entry in ClinVar:

NM_001374736.1(DST):c.4384A>G (p.Lys1462Glu)

Gene: DST (dystonin; minus strand). Cytogenetic location: 6p12.1.
Variant type: single nucleotide variant.
Coding change: c.4384A>G on transcript NM_001374736.1 (MANE Select); coding-DNA position 4384, A replaced by G.
Protein change: p.Lys1462Glu; replaces lysine 1462 with glutamic acid.
Molecular consequence: missense variant.
Genome position (GRCh38, 1-based): chr6:56,629,341, T>C on the plus strand (A>G on the coding strand, the complement: DST is on the minus strand). VCF-style: chr6-56629341-T-C. GRCh37 (hg19) VCF-style: chr6-56494139-T-C.
Other names: c.4285A>G, p.Lys1429Glu (NM_001144769.5); c.3871A>G, p.Lys1291Glu (NM_001144770.2); c.4384A>G, p.Lys1462Glu (NM_001374722.1); c.3751A>G, p.Lys1251Glu (NM_001374729.1, NM_001374730.1, NM_001386100.1 and 1 more transcripts); c.4411A>G, p.Lys1471Glu (NM_001374734.1); c.2773A>G, p.Lys925Glu (NM_001723.7, NM_015548.5); short protein forms K1251E, K1291E, K1429E, K925E, K1462E, K1471E.
Identifiers: ClinVar variation 639498 (VCV000639498.8), dbSNP rs1283509489, ClinGen allele CA364573748.

ClinVar aggregate classification (germline): Uncertain significance (1 of 4 stars; one submission).

Conditions:
Epidermolysis bullosa simplex 3, localized or generalized intermediate, with BP230 deficiency (EBS3). Also called: Epidermolysis bullosa simplex due to BP230 deficiency; Epidermolysis bullosa simplex, autosomal recessive 2. Identifiers: Orphanet 412181, MedGen C3809470, MONDO:0014180, OMIM 615425.
Hereditary sensory and autonomic neuropathy type 6. Also called: Neuropathy, hereditary sensory and autonomic, type VI; HSAN VI. Identifiers: Orphanet 314381, MedGen C3539003, MONDO:0013839, OMIM 614653.

Allele frequency attached by ClinVar (database versions not stated): gnomAD exomes below 0.00001.
gnomAD v4.1: 4 of 1,613,794 alleles (0.00025%); highest among the groups gnomAD compares: Non-Finnish European, 0.00034%; no homozygotes.

Submission:

Labcorp Genetics (formerly Invitae), Labcorp
Classification: Uncertain significance for Epidermolysis bullosa simplex 3, localized or generalized intermediate, with BP230 deficiency; Hereditary sensory and autonomic neuropathy type 6. Last evaluated: 2021-06-01. Review status: criteria provided, single submitter. Criteria: Invitae Variant Classification Sherloc (09022015). Collection method: clinical testing. Allele origin: germline.
Comment: In summary, the available evidence is currently insufficient to determine the role of this variant in disease. Therefore, it has been classified as a Variant of Uncertain Significance. Algorithms developed to predict the effect of missense changes on protein structure and function (SIFT, PolyPhen-2, Align-GVGD) all suggest that this variant is likely to be disruptive, but these predictions have not been confirmed by published functional studies and their clinical significance is uncertain. This variant has not been reported in the literature in individuals with DST-related disease. This variant is not present in population databases (ExAC no frequency). This sequence change replaces lysine with glutamic acid at codon 925 of the DST protein (p.Lys925Glu). The lysine residue is highly conserved and there is a small physicochemical difference between lysine and glutamic acid.